The following is an entry in ClinVar:

ClinVar aggregate classification (germline): Benign/Likely benign. Review status: criteria provided, multiple submitters, no conflicts (2 of 4 stars). 5 submissions from 5 submitters: Benign (1); Likely benign (3). 1 of the submissions does not count toward it. Last evaluated 2026-01-19.

Conditions:
Congenital stationary night blindness 1E. Also called: Night blindness, congenital stationary (complete), 1E, autosomal recessive. Identifiers: Orphanet 215, MedGen C3281215, MONDO:0013807, OMIM 614565.

Allele frequency attached by ClinVar (database versions not stated): TOPMed 0.00155; 1000 Genomes Project 30x 0.00172; ESP Exome Variant Server 0.00185; 1000 Genomes Project 0.00200; gnomAD 0.00287 and 0.00296; gnomAD exomes 0.00353 and 0.00354; ExAC 0.00379.
gnomAD v4.1: 5,544 of 1,614,234 alleles (0.34%); highest among the groups gnomAD compares: Non-Finnish European, 0.33%; 38 homozygotes.

Submissions (5):

Labcorp Genetics (formerly Invitae), Labcorp
Classification: Benign. Last evaluated: 2026-01-19. Review status: criteria provided, single submitter. Criteria: Invitae Variant Classification Sherloc (09022015). Collection method: clinical testing. Allele origin: germline.

Illumina Laboratory Services, Illumina
Classification: Likely benign for Congenital stationary night blindness 1E. Last evaluated: 2018-01-13. Review status: criteria provided, single submitter. Criteria: ICSL Variant Classification Criteria 13 December 2019. Collection method: clinical testing. Allele origin: germline.
Comment: This variant was observed in the ICSL laboratory as part of a predisposition screen in an ostensibly healthy population. It had not been previously curated by ICSL or reported in the Human Gene Mutation Database (HGMD: prior to June 1st, 2018), and was therefore a candidate for classification through an automated scoring system. Utilizing variant allele frequency, disease prevalence and penetrance estimates, and inheritance mode, an automated score was calculated to assess if this variant is too frequent to cause the disease. Based on the score and internal cut-off values, a variant classified as likely benign is not then subjected to further curation. The score for this variant resulted in a classification of likely benign for this disease.

Clinical Genetics DNA and cytogenetics Diagnostics Lab, Erasmus MC, Erasmus Medical Center
Classification: Likely benign for Congenital stationary night blindness 1E. Last evaluated: 2017-06-28. Review status: criteria provided, single submitter. Criteria: ACGS Guidelines, 2013. Collection method: clinical testing. Allele origin: germline. Affected: yes. Study: VKGL Data-share Consensus.

Breakthrough Genomics
Classification: Likely benign. Review status: criteria provided, single submitter. Criteria: ACMG Guidelines, 2015. Collection method: not provided. Allele origin: germline. Inheritance: Autosomal recessive inheritance. Affected: yes.

Clinical Genetics, Academic Medical Center
Classification: Benign. Review status: no assertion criteria provided. Collection method: clinical testing. Allele origin: germline. Affected: yes. Study: VKGL Data-share Consensus. Not counted in ClinVar's aggregate classification.

NM_001004334.4(GPR179):c.6336G>A (p.Ala2112=)

Gene: GPR179 (G protein-coupled receptor 179; minus strand). Cytogenetic location: 17q12.
Variant type: single nucleotide variant.
Coding change: c.6336G>A on transcript NM_001004334.4 (MANE Select); coding-DNA position 6336, G replaced by A.
Protein change: p.Ala2112=; no amino-acid change (alanine 2112 retained).
Molecular consequence: synonymous variant.
Genome position (GRCh38, 1-based): chr17:38,327,233, C>T on the plus strand (G>A on the coding strand, the complement: GPR179 is on the minus strand). VCF-style: chr17-38327233-C-T. GRCh37 (hg19) VCF-style: chr17-36483116-C-T.
Identifiers: ClinVar variation 522290 (VCV000522290.17), dbSNP rs186214845, ClinGen allele CA290103021.